The following is an entry in ClinVar:

ClinVar aggregate classification (germline): Likely pathogenic. Review status: criteria provided, multiple submitters, no conflicts (2 of 4 stars). 2 submissions from 2 submitters: Likely pathogenic (2). Last evaluated 2025-08-26.

Conditions:
Muscular dystrophy, limb-girdle, autosomal recessive 23. Identifiers: Orphanet 565837, MedGen C4748327, MONDO:0029136, OMIM 618138.
Merosin deficient congenital muscular dystrophy (MDC1A). Also called: Congenital Muscular Dystrophy Type 1A (MDC1A); Congenital merosin-deficient muscular dystrophy 1A. Identifiers: Orphanet 258, MedGen C1263858, MONDO:0011925, OMIM 607855.
LAMA2-related muscular dystrophy (LAMA2-RD). Also called: Laminin alpha 2-related dystrophy. Identifiers: MedGen C5679788, MONDO:0100228.

gnomAD v4.1: 1 of 1,540,906 alleles (0.000065%); highest among the groups gnomAD compares: Non-Finnish European, 0.000089%; no homozygotes.

Submissions (2):

First Genomix Gene Laboratory, Genetic Diagnostics Department
Classification: Likely pathogenic for Merosin deficient congenital muscular dystrophy; Muscular dystrophy, limb-girdle, autosomal recessive 23. Last evaluated: 2025-08-26. Review status: criteria provided, single submitter. Criteria: ACMG Guidelines, 2015. Collection method: clinical testing. Allele origin: germline. Inheritance: Autosomal recessive inheritance. Affected: no. Observed: 1 variant allele.

Labcorp Genetics (formerly Invitae), Labcorp
Classification: Likely pathogenic for LAMA2-related muscular dystrophy. Last evaluated: 2024-03-27. Review status: criteria provided, single submitter. Criteria: Invitae Variant Classification Sherloc (09022015). Collection method: clinical testing. Allele origin: germline.
Comment: This sequence change affects an acceptor splice site in intron 52 of the LAMA2 gene. It is expected to disrupt RNA splicing. Variants that disrupt the donor or acceptor splice site typically lead to a loss of protein function (PMID: 16199547), and loss-of-function variants in LAMA2 are known to be pathogenic (PMID: 18700894, 32904964). This variant is not present in population databases (gnomAD no frequency). This variant has not been reported in the literature in individuals affected with LAMA2-related conditions. ClinVar contains an entry for this variant (Variation ID: 954079). Algorithms developed to predict the effect of sequence changes on RNA splicing suggest that this variant may disrupt the consensus splice site. In summary, the currently available evidence indicates that the variant is pathogenic, but additional data are needed to prove that conclusively. Therefore, this variant has been classified as Likely Pathogenic.

Literature cited by the submitters: PubMed 16199547 (cited by Labcorp Genetics (formerly Invitae), Labcorp); PubMed 18700894 (cited by Labcorp Genetics (formerly Invitae), Labcorp); PubMed 32904964 (cited by Labcorp Genetics (formerly Invitae), Labcorp).

NM_000426.4(LAMA2):c.7440-1G>A

Gene: LAMA2 (laminin subunit alpha 2; plus strand). Cytogenetic location: 6q22.33.
Variant type: single nucleotide variant.
Coding change: c.7440-1G>A on transcript NM_000426.4 (MANE Select); the canonical splice acceptor site of the intron before coding-DNA position 7440, G replaced by A.
Molecular consequence: splice acceptor variant. On other transcripts: intron variant (1).
Genome position (GRCh38, 1-based): chr6:129,475,389, G>A. VCF-style: chr6-129475389-G-A. GRCh37 (hg19) VCF-style: chr6-129796534-G-A.
Other names: c.7439+2037G>A (NM_001079823.2).
Identifiers: ClinVar variation 954079 (VCV000954079.8), dbSNP rs1244029486, ClinGen allele CA365624984.
Genomic context (GRCh38, chr6:129,475,389, plus strand): 5'-ATGTAATTATAAGTAAATTGTTTTTATTTTTGTTTTTTTTTTCCTCTTTCCCGTTATCTA[G>A]TATGAAAGCAAGGTAAAATTTAAATTTATGCATGCCTTCTTCGAGTGCATGGGTTGGGTA-3'